The following is an entry in ClinVar:

ClinVar aggregate classification (germline): Uncertain significance (1 of 4 stars; one submission).

Conditions:
Neutral lipid storage myopathy (NLSDM). Also called: NEUTRAL LIPID STORAGE DISEASE WITHOUT ICHTHYOSIS. Identifiers: Orphanet 98908, MedGen C1853136, MONDO:0012545, OMIM 610717.

Submission:

Labcorp Genetics (formerly Invitae), Labcorp
Classification: Uncertain significance for Neutral lipid storage myopathy. Last evaluated: 2022-02-04. Review status: criteria provided, single submitter. Criteria: Invitae Variant Classification Sherloc (09022015). Collection method: clinical testing. Allele origin: germline.
Comment: In summary, the available evidence is currently insufficient to determine the role of this variant in disease. Therefore, it has been classified as a Variant of Uncertain Significance. Algorithms developed to predict the effect of missense changes on protein structure and function (SIFT, PolyPhen-2, Align-GVGD) all suggest that this variant is likely to be tolerated. This variant has not been reported in the literature in individuals affected with PNPLA2-related conditions. This variant is not present in population databases (gnomAD no frequency). This sequence change replaces proline, which is neutral and non-polar, with arginine, which is basic and polar, at codon 315 of the PNPLA2 protein (p.Pro315Arg).

NM_020376.4(PNPLA2):c.944C>G (p.Pro315Arg)

Gene: PNPLA2 (patatin like domain 2, triacylglycerol lipase; plus strand). Cytogenetic location: 11p15.5.
Variant type: single nucleotide variant.
Coding change: c.944C>G on transcript NM_020376.4 (MANE Select); coding-DNA position 944, C replaced by G.
Protein change: p.Pro315Arg; replaces proline 315 with arginine.
Molecular consequence: missense variant.
Genome position (GRCh38, 1-based): chr11:824,022, C>G. VCF-style: chr11-824022-C-G. GRCh37 (hg19) VCF-style: chr11-824022-C-G.
Other names: short protein forms P315R.
Identifiers: ClinVar variation 1387842 (VCV001387842.8), dbSNP rs2133850068, ClinGen allele CA378982231.
Genomic context (GRCh38, chr11:824,022, plus strand): 5'-GCCTCCACTGGCCGCCGACCTCCCGCCCACCCGCAGCCCTGCTGGAGGCCTGCGTGGAGC[C>G]CACGGACCTGCTGACCACCCTCTCCAACATGCTGCCTGTGCGTCTGGCCACGGCCATGAT-3'
Protein context (NP_065109.1, residues 305-325): NEALLEACVE[Pro315Arg]TDLLTTLSNM